The following is an entry in ClinVar:

ClinVar aggregate classification (germline): Likely benign. Review status: criteria provided, multiple submitters, no conflicts (2 of 4 stars). 2 submissions from 2 submitters: Likely benign (2). Last evaluated 2023-08-28.

Conditions:
Malignant hyperthermia, susceptibility to, 5 (MHS5). Also called: CACNA1S-Related Malignant Hyperthermia Susceptibility. Identifiers: Orphanet 423, MedGen C1866077, MONDO:0011163, OMIM 601887.

Allele frequency attached by ClinVar (database versions not stated): ExAC 0.00001; gnomAD exomes 0.00001; TOPMed 0.00001.
gnomAD v4.1: 10 of 1,614,174 alleles (0.00062%); highest among the groups gnomAD compares: South Asian, 0.0055%; no homozygotes.

Submissions (2):

All of Us Research Program, National Institutes of Health
Classification: Likely benign for Malignant hyperthermia, susceptibility to, 5. Last evaluated: 2023-08-28. Review status: criteria provided, single submitter. Criteria: ACMG Guidelines, 2015. Collection method: clinical testing. Allele origin: germline. Inheritance: Autosomal dominant inheritance. Observed: 2 variant alleles, 2 heterozygotes.
Comment: This study involves interpretation of variants in research participants for the purpose of population health screening. Participant phenotype was not available at the time of variant classification. Additional details can be found in publication PMID: 35346344, PMCID: PMC8962531

Color Diagnostics, LLC DBA Color Health
Classification: Likely benign for Malignant hyperthermia, susceptibility to, 5. Last evaluated: 2022-11-06. Review status: criteria provided, single submitter. Criteria: ACMG Guidelines, 2015. Collection method: clinical testing. Allele origin: germline.

NM_000069.3(CACNA1S):c.207C>T (p.Ala69=)

Gene: CACNA1S (calcium voltage-gated channel subunit alpha1 S; minus strand). Cytogenetic location: 1q32.1.
Variant type: single nucleotide variant.
Coding change: c.207C>T on transcript NM_000069.3 (MANE Select); coding-DNA position 207, C replaced by T.
Protein change: p.Ala69=; no amino-acid change (alanine 69 retained).
Molecular consequence: synonymous variant.
Genome position (GRCh38, 1-based): chr1:201,110,215, G>A on the plus strand (C>T on the coding strand, the complement: CACNA1S is on the minus strand). VCF-style: chr1-201110215-G-A. GRCh37 (hg19) VCF-style: chr1-201079343-G-A.
Identifiers: ClinVar variation 3070798 (VCV003070798.2), dbSNP rs747492955, ClinGen allele CA078796.